The following is an entry in ClinVar:

ClinVar aggregate classification (germline): Uncertain significance. Review status: criteria provided, multiple submitters, no conflicts (2 of 4 stars). 3 submissions from 3 submitters: Uncertain significance (3). Last evaluated 2025-03-31.

Conditions:
Biotin-responsive basal ganglia disease (BTBGD). Also called: Thiamine metabolism dysfunction syndrome type 2; thiamine-responsive encephalopathy; Thiamine Transporter-2 Deficiency; Thiamine metabolism dysfunction syndrome 2 (biotin- or thiamine-responsive encephalopathy type 2); THIAMINE METABOLISM DYSFUNCTION SYNDROME 2 (BIOTIN- AND THIAMINE-RESPONSIVE TYPE). Identifiers: Orphanet 199348, Orphanet 65284, MedGen C1843807, MONDO:0011841, OMIM 607483.

Allele frequency attached by ClinVar (database versions not stated): gnomAD 0.00001; TOPMed 0.00001; ExAC 0.00002; ESP Exome Variant Server 0.00008.
gnomAD v4.1: 11 of 1,614,004 alleles (0.00068%); highest among the groups gnomAD compares: Admixed American, 0.0067%; no homozygotes.

Submissions (3):

Labcorp Genetics (formerly Invitae), Labcorp
Classification: Uncertain significance for Biotin-responsive basal ganglia disease. Last evaluated: 2025-03-31. Review status: criteria provided, single submitter. Criteria: Invitae Variant Classification Sherloc (09022015). Collection method: clinical testing. Allele origin: germline.
Comment: This sequence change replaces alanine, which is neutral and non-polar, with threonine, which is neutral and polar, at codon 119 of the SLC19A3 protein (p.Ala119Thr). This variant is present in population databases (rs367620430, gnomAD 0.01%). This variant has not been reported in the literature in individuals affected with SLC19A3-related conditions. ClinVar contains an entry for this variant (Variation ID: 809183). Invitae Evidence Modeling of protein sequence and biophysical properties (such as structural, functional, and spatial information, amino acid conservation, physicochemical variation, residue mobility, and thermodynamic stability) indicates that this missense variant is not expected to disrupt SLC19A3 protein function with a negative predictive value of 95%. In summary, the available evidence is currently insufficient to determine the role of this variant in disease. Therefore, it has been classified as a Variant of Uncertain Significance.

GeneDx
Classification: Uncertain significance. Last evaluated: 2022-10-07. Review status: criteria provided, single submitter. Criteria: GeneDx Variant Classification Process June 2021. Collection method: clinical testing. Allele origin: germline. Affected: yes.
Comment: Not observed at significant frequency in large population cohorts (gnomAD); In silico analysis supports that this missense variant does not alter protein structure/function; Has not been previously published as pathogenic or benign to our knowledge

CeGaT Center for Human Genetics Tuebingen
Classification: Uncertain significance. Last evaluated: 2017-08-01. Review status: criteria provided, single submitter. Criteria: CeGaT Center For Human Genetics Tuebingen Variant Classification Criteria Version 2. Collection method: clinical testing. Allele origin: germline. Affected: yes. Observed: 1 variant allele.

NM_025243.4(SLC19A3):c.355G>A (p.Ala119Thr)

Gene: SLC19A3 (solute carrier family 19 member 3; minus strand). Cytogenetic location: 2q36.3.
Variant type: single nucleotide variant.
Coding change: c.355G>A on transcript NM_025243.4 (MANE Select); coding-DNA position 355, G replaced by A.
Protein change: p.Ala119Thr; replaces alanine 119 with threonine.
Molecular consequence: missense variant.
Genome position (GRCh38, 1-based): chr2:227,699,360, C>T on the plus strand (G>A on the coding strand, the complement: SLC19A3 is on the minus strand). VCF-style: chr2-227699360-C-T. GRCh37 (hg19) VCF-style: chr2-228564076-C-T.
Other names: c.355G>A, p.Ala119Thr (NM_001371411.1, NM_001371412.1); c.343G>A, p.Ala115Thr (NM_001371413.1, NM_001371414.1); short protein forms A115T, A119T.
Identifiers: ClinVar variation 809183 (VCV000809183.48), dbSNP rs367620430, ClinGen allele CA2149323.